The following is an entry in ClinVar:

ClinVar aggregate classification (germline): Uncertain significance (1 of 4 stars; one submission).

Conditions:
Fabry disease. Also called: ALPHA-GALACTOSIDASE A DEFICIENCY; ANDERSON-FABRY DISEASE; CERAMIDE TRIHEXOSIDASE DEFICIENCY; GLA DEFICIENCY; HEREDITARY DYSTOPIC LIPIDOSIS; Angiokeratoma corporis diffusum. Identifiers: Orphanet 324, MedGen C0002986, MONDO:0010526, OMIM 301500, HP:0001071. Disease mechanism: Fabry disease is due to inactivating mutations in the X-linked GLA gene resulting in deficiency of the enzyme Alpha Galactosidase-A., loss of function.

Submission:

Genomenon, Inc
Classification: Uncertain significance for Fabry disease. Last evaluated: 2026-09-08. Review status: criteria provided, single submitter. Criteria: Genomenon Sequence Variant Interpretation Standards - Updated. Collection method: curation. Allele origin: germline. Affected: yes.
Comment: GLA p.Lys130dup (c.388_390dup) is an in-frame duplication variant that results in the duplication of Lysine at codon 130. This variant has been observed in at least one proband with clinical features consistent with Fabry disease (PMID:39609713). Functional or patient cell studies have been reported (PMID:39609713). It is absent or not present at a significant frequency in gnomAD. In conclusion, we classify GLA p.Lys130dup (c.388_390dup) as a variant of uncertain significance.

Literature cited by the submitters: PubMed 39609713.

NM_000169.3(GLA):c.388_390dup (p.Lys130_Leu131insLys)

Genes: GLA (galactosidase alpha; minus strand), RPL36A-HNRNPH2 (RPL36A-HNRNPH2 readthrough; plus strand). Cytogenetic location: Xq22.1.
Variant type: Duplication.
Coding change: c.388_390dup on transcript NM_000169.3 (MANE Select); coding-DNA positions 388 to 390, 3 bases duplicated (AAG; older notation c.388_390dupAAG).
Protein change: p.Lys130_Leu131insLys.
Molecular consequence: inframe insertion. On other transcripts: non-coding transcript variant (3), intron variant (2).
Genome position (GRCh38, 1-based): chrX:101,401,789-101,401,791, CTT duplicated on the plus strand (AAG on the coding strand, the reverse complement: GLA is on the minus strand); duplicating any 3 consecutive bases within chrX:101,401,789-101,401,792 gives the same sequence; the c. name uses the placement nearest the transcript's 3' end. VCF-style (leftmost placement, unchanged base first): chrX-101401788-G-GCTT. GRCh37 (hg19) VCF-style: chrX-100656776-G-GCTT.
Other names: c.511_513dup, p.Lys171_Leu172insLys (NM_001406747.1, NM_001406749.1); c.388_390dup, p.Lys130_Leu131insLys (NM_001406748.1); c.300+6333_300+6335dup (NM_001199973.2); c.177+9968_177+9970dup (NM_001199974.2).
Identifiers: ClinVar variation 4087241 (VCV004087241.2).